The following is an entry in ClinVar:

ClinVar aggregate classification (germline): Uncertain significance (1 of 4 stars; one submission).

gnomAD v4.1: 6 of 1,614,100 alleles (0.00037%); highest among the groups gnomAD compares: South Asian, 0.0011%; no homozygotes.

Submission:

Labcorp Genetics (formerly Invitae), Labcorp
Classification: Uncertain significance. Last evaluated: 2022-07-12. Review status: criteria provided, single submitter. Criteria: Invitae Variant Classification Sherloc (09022015). Collection method: clinical testing. Allele origin: germline.
Comment: This sequence change replaces arginine, which is basic and polar, with glutamine, which is neutral and polar, at codon 83 of the NDUFS6 protein (p.Arg83Gln). This variant is not present in population databases (gnomAD no frequency). This variant has not been reported in the literature in individuals affected with NDUFS6-related conditions. ClinVar contains an entry for this variant (Variation ID: 1523421). Algorithms developed to predict the effect of missense changes on protein structure and function are either unavailable or do not agree on the potential impact of this missense change (SIFT: "Deleterious"; PolyPhen-2: "Benign"; Align-GVGD: "Class C35"). Algorithms developed to predict the effect of sequence changes on RNA splicing suggest that this variant may create or strengthen a splice site. In summary, the available evidence is currently insufficient to determine the role of this variant in disease. Therefore, it has been classified as a Variant of Uncertain Significance.

NM_004553.6(NDUFS6):c.248G>A (p.Arg83Gln)

Gene: NDUFS6 (NADH:ubiquinone oxidoreductase subunit S6; plus strand). Cytogenetic location: 5p15.33.
Variant type: single nucleotide variant.
Coding change: c.248G>A on transcript NM_004553.6 (MANE Select); coding-DNA position 248, G replaced by A.
Protein change: p.Arg83Gln; replaces arginine 83 with glutamine.
Molecular consequence: missense variant.
Genome position (GRCh38, 1-based): chr5:1,814,400, G>A. VCF-style: chr5-1814400-G-A. GRCh37 (hg19) VCF-style: chr5-1814514-G-A.
Other names: short protein forms R83Q.
Identifiers: ClinVar variation 1523421 (VCV001523421.3), dbSNP rs1418466771, ClinGen allele CA359089122.